The following is an entry in ClinVar:

ClinVar aggregate classification (germline): Uncertain significance (1 of 4 stars; one submission).

Submission:

Labcorp Genetics (formerly Invitae), Labcorp
Classification: Uncertain significance. Last evaluated: 2025-03-19. Review status: criteria provided, single submitter. Criteria: Invitae Variant Classification Sherloc (09022015). Collection method: clinical testing. Allele origin: germline.
Comment: This sequence change replaces aspartic acid, which is acidic and polar, with asparagine, which is neutral and polar, at codon 94 of the POLR1A protein (p.Asp94Asn). This variant is present in population databases (rs371226395, gnomAD 0.008%). This variant has not been reported in the literature in individuals affected with POLR1A-related conditions. ClinVar contains an entry for this variant (Variation ID: 2194959). An algorithm developed to predict the effect of missense changes on protein structure and function (PolyPhen-2) suggests that this variant is likely to be disruptive. In summary, the available evidence is currently insufficient to determine the role of this variant in disease. Therefore, it has been classified as a Variant of Uncertain Significance.

NM_015425.6(POLR1A):c.280G>A (p.Asp94Asn)

Gene: POLR1A (RNA polymerase I subunit A; minus strand). Cytogenetic location: 2p11.2.
Variant type: single nucleotide variant.
Coding change: c.280G>A on transcript NM_015425.6 (MANE Select); coding-DNA position 280, G replaced by A.
Protein change: p.Asp94Asn; replaces aspartic acid 94 with asparagine.
Molecular consequence: missense variant.
Genome position (GRCh38, 1-based): chr2:86,099,970, C>T on the plus strand (G>A on the coding strand, the complement: POLR1A is on the minus strand). VCF-style: chr2-86099970-C-T. GRCh37 (hg19) VCF-style: chr2-86327093-C-T.
Other names: short protein forms D94N.
Identifiers: ClinVar variation 2194959 (VCV002194959.4), dbSNP rs371226395, ClinGen allele CA1746709.